The following is an entry in ClinVar:

ClinVar aggregate classification (germline): Uncertain significance (1 of 4 stars; one submission).

Conditions:
Marfan syndrome (MFS). Also called: MARFAN SYNDROME, TYPE I; Marfan syndrome type 1; Marfan's syndrome; FBN1-Related Marfan Syndrome; Marfan syndrome, classic. Identifiers: Orphanet 284963, Orphanet 558, MedGen C0024796, MONDO:0007947, OMIM 154700.

gnomAD v4.1: 1 of 1,614,240 alleles (0.000062%); highest among the groups gnomAD compares: Non-Finnish European, 0.000085%; no homozygotes.

Submission:

All of Us Research Program, National Institutes of Health
Classification: Uncertain significance for Marfan syndrome. Last evaluated: 2024-09-23. Review status: criteria provided, single submitter. Criteria: ACMG Guidelines, 2015. Collection method: clinical testing. Allele origin: germline. Inheritance: Autosomal dominant inheritance. Observed: 1 variant allele, 1 heterozygote.
Comment: This study involves interpretation of variants in research participants for the purpose of population health screening. Participant phenotype was not available at the time of variant classification. Additional details can be found in publication PMID: 35346344, PMCID: PMC8962531

NM_000138.5(FBN1):c.7972C>T (p.Pro2658Ser)

Gene: FBN1 (fibrillin 1; minus strand). Cytogenetic location: 15q21.1.
Variant type: single nucleotide variant.
Coding change: c.7972C>T on transcript NM_000138.5 (MANE Select); coding-DNA position 7972, C replaced by T.
Protein change: p.Pro2658Ser; replaces proline 2658 with serine.
Molecular consequence: missense variant.
Genome position (GRCh38, 1-based): chr15:48,415,615, G>A on the plus strand (C>T on the coding strand, the complement: FBN1 is on the minus strand). VCF-style: chr15-48415615-G-A. GRCh37 (hg19) VCF-style: chr15-48707812-G-A.
Other names: c.7972C>T, p.Pro2658Ser (NM_001406716.1); short protein forms P2658S.
Identifiers: ClinVar variation 3386750 (VCV003386750.1).